The following is an entry in ClinVar:

ClinVar aggregate classification (germline): Uncertain significance (1 of 4 stars; one submission).

Conditions:
EGFR-related lung cancer (EGFR). Identifiers: MedGen CN130014.

gnomAD v4.1: 1 of 1,614,200 alleles (0.000062%); no homozygotes.

Submission:

Labcorp Genetics (formerly Invitae), Labcorp
Classification: Uncertain significance for EGFR-related lung cancer. Last evaluated: 2024-08-20. Review status: criteria provided, single submitter. Criteria: Invitae Variant Classification Sherloc (09022015). Collection method: clinical testing. Allele origin: germline.
Comment: This sequence change replaces threonine, which is neutral and polar, with serine, which is neutral and polar, at codon 892 of the EGFR protein (p.Thr892Ser). This variant is not present in population databases (gnomAD no frequency). This variant has not been reported in the literature in individuals affected with EGFR-related conditions. Invitae Evidence Modeling of protein sequence and biophysical properties (such as structural, functional, and spatial information, amino acid conservation, physicochemical variation, residue mobility, and thermodynamic stability) indicates that this missense variant is not expected to disrupt EGFR protein function with a negative predictive value of 80%. In summary, the available evidence is currently insufficient to determine the role of this variant in disease. Therefore, it has been classified as a Variant of Uncertain Significance.

NM_005228.5(EGFR):c.2675C>G (p.Thr892Ser)

Gene: EGFR (epidermal growth factor receptor; plus strand). Cytogenetic location: 7p11.2.
Variant type: single nucleotide variant.
Coding change: c.2675C>G on transcript NM_005228.5 (MANE Select); coding-DNA position 2675, C replaced by G.
Protein change: p.Thr892Ser; replaces threonine 892 with serine.
Molecular consequence: missense variant.
Genome position (GRCh38, 1-based): chr7:55,192,815, C>G. VCF-style: chr7-55192815-C-G. GRCh37 (hg19) VCF-style: chr7-55260508-C-G.
Other names: c.2540C>G, p.Thr847Ser (NM_001346897.2, NM_001346899.2); c.2675C>G, p.Thr892Ser (NM_001346898.2); c.2516C>G, p.Thr839Ser (NM_001346900.2); c.1874C>G, p.Thr625Ser (NM_001346941.2); short protein forms T625S, T839S, T847S, T892S.
Identifiers: ClinVar variation 3662987 (VCV003662987.2).
Genomic context (GRCh38, chr7:55,192,815, plus strand): 5'-ACCATCCCAAGGTGCCTATCAAGTGGATGGCATTGGAATCAATTTTACACAGAATCTATA[C>G]CCACCAGAGTGATGTCTGGAGCTACGGTGAGTCATAATCCTGATGCTAATGAGTTTGTAC-3'
Protein context (NP_005219.2, residues 882-902): ALESILHRIY[Thr892Ser]HQSDVWSYGV